The following is an entry in ClinVar:

ClinVar aggregate classification (germline): Uncertain significance (1 of 4 stars; one submission).

gnomAD v4.1: 26 of 1,613,268 alleles (0.0016%); highest among the groups gnomAD compares: Non-Finnish European, 0.002%; no homozygotes.

Submission:

Labcorp Genetics (formerly Invitae), Labcorp
Classification: Uncertain significance. Last evaluated: 2022-04-01. Review status: criteria provided, single submitter. Criteria: Invitae Variant Classification Sherloc (09022015). Collection method: clinical testing. Allele origin: germline.
Comment: This sequence change replaces arginine, which is basic and polar, with serine, which is neutral and polar, at codon 1812 of the CPLANE1 protein (p.Arg1812Ser). This variant is not present in population databases (gnomAD no frequency). This variant has not been reported in the literature in individuals affected with CPLANE1-related conditions. Advanced modeling of protein sequence and biophysical properties (such as structural, functional, and spatial information, amino acid conservation, physicochemical variation, residue mobility, and thermodynamic stability) performed at Invitae indicates that this missense variant is not expected to disrupt CPLANE1 protein function. Algorithms developed to predict the effect of sequence changes on RNA splicing suggest that this variant may disrupt the consensus splice site. In summary, the available evidence is currently insufficient to determine the role of this variant in disease. Therefore, it has been classified as a Variant of Uncertain Significance.

NM_001384732.1(CPLANE1):c.5434C>A (p.Arg1812Ser)

Gene: CPLANE1 (ciliogenesis and planar polarity effector complex subunit 1; minus strand). Cytogenetic location: 5p13.2.
Variant type: single nucleotide variant.
Coding change: c.5434C>A on transcript NM_001384732.1 (MANE Select); coding-DNA position 5434, C replaced by A.
Protein change: p.Arg1812Ser; replaces arginine 1812 with serine.
Molecular consequence: missense variant.
Genome position (GRCh38, 1-based): chr5:37,180,993, G>T on the plus strand (C>A on the coding strand, the complement: CPLANE1 is on the minus strand). VCF-style: chr5-37180993-G-T. GRCh37 (hg19) VCF-style: chr5-37181095-G-T.
Other names: c.5434C>A, p.Arg1812Ser (NM_023073.4); short protein forms R1812S.
Identifiers: ClinVar variation 2120433 (VCV002120433.3), dbSNP rs376821475, ClinGen allele CA117067411.
Genomic context (GRCh38, chr5:37,180,993, plus strand): 5'-CGCCAGCATCTGATTTGCTCTCCCTCTCAATATTGGGTCCAATCTGACACCCAGTGTCAC[G>T]ATTCTCTACCATCTAAAGCAAACCATTTAAAGTATTTAGTATTTATTGAACCCTTTATTT-3'
Protein context (NP_001371661.1, residues 1802-1822): KNAIIKMVEN[Arg1812Ser]DTGCQIGPNI